The following is an entry in ClinVar:

ClinVar aggregate classification (germline): Uncertain significance (1 of 4 stars; one submission).

Conditions:
Long QT syndrome (LQTS). Identifiers: MedGen C0023976, MeSH D008133, MONDO:0002442. Disease mechanism: loss of function. Inheritance: Various modes of inheritance.

Submission:

Labcorp Genetics (formerly Invitae), Labcorp
Classification: Uncertain significance for Long QT syndrome. Last evaluated: 2023-08-16. Review status: criteria provided, single submitter. Criteria: Invitae Variant Classification Sherloc (09022015). Collection method: clinical testing. Allele origin: germline.
Comment: This sequence change replaces glutamic acid, which is acidic and polar, with glycine, which is neutral and non-polar, at codon 1540 of the AKAP9 protein (p.Glu1540Gly). This variant is not present in population databases (gnomAD no frequency). This variant has not been reported in the literature in individuals affected with AKAP9-related conditions. An algorithm developed to predict the effect of missense changes on protein structure and function (PolyPhen-2) suggests that this variant is likely to be tolerated. In summary, the available evidence is currently insufficient to determine the role of this variant in disease. Therefore, it has been classified as a Variant of Uncertain Significance.

NM_005751.5(AKAP9):c.4619A>G (p.Glu1540Gly)

Gene: AKAP9 (A-kinase anchoring protein 9; plus strand). Cytogenetic location: 7q21.2.
Variant type: single nucleotide variant.
Coding change: c.4619A>G on transcript NM_005751.5 (MANE Select); coding-DNA position 4619, A replaced by G.
Protein change: p.Glu1540Gly; replaces glutamic acid 1540 with glycine.
Molecular consequence: missense variant.
Genome position (GRCh38, 1-based): chr7:92,038,699, A>G. VCF-style: chr7-92038699-A-G. GRCh37 (hg19) VCF-style: chr7-91668013-A-G.
Other names: c.4619A>G, p.Glu1540Gly (NM_147185.3); short protein forms E1540G.
Identifiers: ClinVar variation 3016138 (VCV003016138.3), dbSNP rs2484808515, ClinGen allele CA368129174.
Genomic context (GRCh38, chr7:92,038,699, plus strand): 5'-AGTTAGGAGAACATGGAAAGGAAATTTTATTATCAAATAGTGATCCCCATGATATACCAG[A>G]ATCAAAGGACTGTGTGCTGACTATTTCAGAAGAAATGTTCTCCAAAGATAAAACATTTAT-3'
Protein context (NP_005742.4, residues 1530-1550): LSNSDPHDIP[Glu1540Gly]SKDCVLTISE